The following is an entry in ClinVar:

NM_207346.3(TSEN54):c.1061A>G (p.Glu354Gly)

Gene: TSEN54 (tRNA splicing endonuclease subunit 54; plus strand). Cytogenetic location: 17q25.1.
Variant type: single nucleotide variant.
Coding change: c.1061A>G on transcript NM_207346.3 (MANE Select); coding-DNA position 1061, A replaced by G.
Protein change: p.Glu354Gly; replaces glutamic acid 354 with glycine.
Molecular consequence: missense variant.
Genome position (GRCh38, 1-based): chr17:75,522,142, A>G. VCF-style: chr17-75522142-A-G. GRCh37 (hg19) VCF-style: chr17-73518223-A-G.
Other names: c.1061A>G (NM_207346.2); short protein forms E354G.
Identifiers: ClinVar variation 2053740 (VCV002053740.3), dbSNP rs770140483, ClinGen allele CA8764335.

ClinVar aggregate classification (germline): Uncertain significance. Review status: criteria provided, multiple submitters, no conflicts (2 of 4 stars). 2 submissions from 2 submitters: Uncertain significance (2). Last evaluated 2023-01-11.

Conditions:
Inborn genetic diseases. Identifiers: MedGen C0950123, MeSH D030342.

Allele frequency attached by ClinVar (database versions not stated): gnomAD 0.00001; gnomAD exomes 0.00001; TOPMed 0.00002; ExAC 0.00004.

Submissions (2):

Ambry Genetics
Classification: Uncertain significance for Inborn genetic diseases. Last evaluated: 2023-01-11. Review status: criteria provided, single submitter. Criteria: Ambry Variant Classification Scheme 2023. Collection method: clinical testing. Allele origin: germline.

Labcorp Genetics (formerly Invitae), Labcorp
Classification: Uncertain significance. Last evaluated: 2022-03-18. Review status: criteria provided, single submitter. Criteria: Invitae Variant Classification Sherloc (09022015). Collection method: clinical testing. Allele origin: germline.
Comment: This sequence change replaces glutamic acid, which is acidic and polar, with glycine, which is neutral and non-polar, at codon 354 of the TSEN54 protein (p.Glu354Gly). The frequency data for this variant in the population databases is considered unreliable, as metrics indicate poor data quality at this position in the gnomAD database. This variant has not been reported in the literature in individuals affected with TSEN54-related conditions. Algorithms developed to predict the effect of missense changes on protein structure and function are either unavailable or do not agree on the potential impact of this missense change (SIFT: "Deleterious"; PolyPhen-2: "Possibly Damaging"; Align-GVGD: "Class C0"). In summary, the available evidence is currently insufficient to determine the role of this variant in disease. Therefore, it has been classified as a Variant of Uncertain Significance.